The following is an entry in ClinVar:

NM_003235.5(TG):c.115G>T (p.Glu39Ter)

Gene: TG (thyroglobulin; plus strand). Cytogenetic location: 8q24.22.
Variant type: single nucleotide variant.
Coding change: c.115G>T on transcript NM_003235.5 (MANE Select); coding-DNA position 115, G replaced by T.
Protein change: p.Glu39Ter; replaces glutamic acid 39 with a stop codon.
Molecular consequence: nonsense.
Genome position (GRCh38, 1-based): chr8:132,868,162, G>T. VCF-style: chr8-132868162-G-T. GRCh37 (hg19) VCF-style: chr8-133880407-G-T.
Other names: short protein forms E39*.
Identifiers: ClinVar variation 3595243 (VCV003595243.4).

ClinVar aggregate classification (germline): Pathogenic/Likely pathogenic. Review status: criteria provided, multiple submitters, no conflicts (2 of 4 stars). 3 submissions from 3 submitters: Pathogenic (2); Likely pathogenic (1). Last evaluated 2024-03-24.

Conditions:
Congenital hypothyroidism. Identifiers: Orphanet 442, MedGen C0010308, MONDO:0018612, HP:0000851.
Iodotyrosyl coupling defect (TDH3). Also called: HYPOTHYROIDISM, CONGENITAL, DUE TO DYSHORMONOGENESIS, 3; THYROID HORMONOGENESIS, GENETIC DEFECT IN, 3. Identifiers: Orphanet 95716, MedGen C0342194, MONDO:0010135, OMIM 274700.
Autoimmune thyroid disease, susceptibility to, 3. Identifiers: MedGen C1842444, MONDO:0011982, OMIM 608175.

gnomAD v4.1: 14 of 1,614,176 alleles (0.00087%); highest among the groups gnomAD compares: Non-Finnish European, 0.0011%; no homozygotes.

Submissions (3):

Fulgent Genetics
Classification: Likely pathogenic for Iodotyrosyl coupling defect; Autoimmune thyroid disease, susceptibility to, 3. Last evaluated: 2024-03-24. Review status: criteria provided, single submitter. Criteria: ACMG Guidelines, 2015. Collection method: clinical testing. Allele origin: germline.

Labcorp Genetics (formerly Invitae), Labcorp
Classification: Pathogenic. Last evaluated: 2024-02-01. Review status: criteria provided, single submitter. Criteria: Invitae Variant Classification Sherloc (09022015). Collection method: clinical testing. Allele origin: germline.
Comment: This sequence change creates a premature translational stop signal (p.Glu39*) in the TG gene. It is expected to result in an absent or disrupted protein product. Loss-of-function variants in TG are known to be pathogenic (PMID: 19837936, 23164529). This variant is present in population databases (no rsID available, gnomAD 0.0009%). This variant has not been reported in the literature in individuals affected with TG-related conditions. Algorithms developed to predict the effect of sequence changes on RNA splicing suggest that this variant may disrupt the consensus splice site. For these reasons, this variant has been classified as Pathogenic.

Cambridge Genomics Laboratory, East Genomic Laboratory Hub, NHS Genomic Medicine Service
Classification: Pathogenic for Congenital hypothyroidism. Last evaluated: 2024-01-31. Review status: criteria provided, single submitter. Criteria: ACGS Best Practice Guidelines for Variant Classification in Rare Disease 2020. Collection method: clinical testing. Allele origin: germline. Affected: yes.
Comment: The p.Glu39Ter variant is observed in 2/113.728 (0.0018%) alleles from individuals of gnomAD Non Finnish European background in gnomAD All. The p.Glu39Ter variant is novel (not in any individuals) in 1kG All. The p.Glu39Ter variant is novel (not in any individuals) in gnomAD Genomes v3 All. (PM2 - Moderate) | This variant is a stop gained variant which occurs in an exon of TG upstream of where nonsense mediated decay is predicted to occur. There are 28 downstream pathogenic loss of function variants, with the furthest variant being 2646 residues downstream of this variant. This indicates that the region is critical to protein function. The p.Glu39Ter variant is a loss of function variant in the gene TG, which is intolerant of Loss of Function variants, as indicated by the presence of existing pathogenic loss of function variant NP_003226.4:p.V90Cfs*21 and 14 others. (PVS1 - Very Strong) | The variant is observed in trans (in a compound heterozygous state) with another pathogenic variant. (PM3_Supporting - Supporting) | The patient's phenotype or family history is highly specific for a disease with a single genetic etiology. (PP4 - Supporting)

Literature cited by the submitters: PubMed 19837936 (cited by Labcorp Genetics (formerly Invitae), Labcorp); PubMed 23164529 (cited by Labcorp Genetics (formerly Invitae), Labcorp).